The following is an entry in ClinVar:

NM_002691.4(POLD1):c.3115_3117del (p.Lys1039del)

Gene: POLD1 (DNA polymerase delta 1, catalytic subunit; plus strand). Cytogenetic location: 19q13.33.
Variant type: Deletion.
Coding change: c.3115_3117del on transcript NM_002691.4 (MANE Select); coding-DNA positions 3115 to 3117, 3 bases deleted (AAG; older notation c.3115_3117delAAG).
Protein change: p.Lys1039del; deletes lysine 1039.
Molecular consequence: inframe deletion. On other transcripts: non-coding transcript variant (1).
Genome position (GRCh38, 1-based): chr19:50,417,092-50,417,094, AAG deleted; deleting any 3 consecutive bases within chr19:50,417,090-50,417,094 gives the same sequence; the c. name uses the placement nearest the transcript's 3' end. VCF-style (leftmost placement, unchanged base first): chr19-50417089-CAGA-C. GRCh37 (hg19) VCF-style: chr19-50920346-CAGA-C.
Other names: c.3115_3117del, p.Lys1039del (NM_001256849.1); c.3193_3195del, p.Lys1065del (NM_001308632.1); short protein forms K1065del, K1039del.
Identifiers: ClinVar variation 486075 (VCV000486075.13), dbSNP rs1555793593, ClinGen allele CA658658852.
Genomic context (GRCh38, chr19:50,417,089, plus strand): 5'-ACCCGCCTCCCCACAGGAGCCGTGTGTGAGTTCTGCCAGCCCCGGGAGTCTGAGCTGTAT[CAGA>C]AGGAGGTGAGAGGGCCGGGAGGTGAGGAGGGGCCAGGTGGGGAGGCGGGGGCGCCCTGCT-3'

ClinVar aggregate classification (germline): Uncertain significance. Review status: criteria provided, multiple submitters, no conflicts (2 of 4 stars). 2 submissions from 2 submitters: Uncertain significance (2). Last evaluated 2024-12-22.

Conditions:
POLD1-related polyposis and colorectal cancer syndrome (CRCS10). Also called: Colorectal cancer 10; COLORECTAL CANCER, SUSCEPTIBILITY TO, ON CHROMOSOME 19q; Colorectal cancer, susceptibility to, 10. Identifiers: Orphanet 220460, MedGen C2675481, MONDO:0012953, OMIM 612591.
Hereditary cancer-predisposing syndrome. Also called: Tumor predisposition; Hereditary Cancer Syndrome; Hereditary neoplastic syndrome; Neoplastic Syndromes, Hereditary. Identifiers: Orphanet 140162, MedGen C0027672, MeSH D009386, MONDO:0015356.

Submissions (2):

Labcorp Genetics (formerly Invitae), Labcorp
Classification: Uncertain significance for POLD1-related polyposis and colorectal cancer syndrome. Last evaluated: 2024-12-22. Review status: criteria provided, single submitter. Criteria: Invitae Variant Classification Sherloc (09022015). Collection method: clinical testing. Allele origin: germline.
Comment: This variant, c.3115_3117del, results in the deletion of 1 amino acid(s) of the POLD1 protein (p.Lys1039del), but otherwise preserves the integrity of the reading frame. This variant is not present in population databases (gnomAD no frequency). This variant has not been reported in the literature in individuals affected with POLD1-related conditions. ClinVar contains an entry for this variant (Variation ID: 486075). Experimental studies and prediction algorithms are not available or were not evaluated, and the functional significance of this variant is currently unknown. In summary, the available evidence is currently insufficient to determine the role of this variant in disease. Therefore, it has been classified as a Variant of Uncertain Significance.

Ambry Genetics
Classification: Uncertain significance for Hereditary cancer-predisposing syndrome. Last evaluated: 2020-01-21. Review status: criteria provided, single submitter. Criteria: Ambry Variant Classification Scheme 2023. Collection method: clinical testing. Allele origin: germline.
Comment: The c.3115_3117delAAG variant (also known as p.K1039del) is located in coding exon 24 of the POLD1 gene. This variant results from an in-frame AAG deletion at nucleotide positions 3115 to 3117. This results in the in-frame deletion of a lysine at codon 1039. This amino acid position is highly conserved in available vertebrate species. In addition, this alteration is predicted to be deleterious by in silico analysis (Choi Y et al. PLoS ONE. 2012; 7(10):e46688).Since supporting evidence is limited at this time, the clinical significance of this alteration remains unclear.